The following is an entry in ClinVar:

NM_032119.4(ADGRV1):c.4283T>C (p.Leu1428Pro)

Gene: ADGRV1 (adhesion G protein-coupled receptor V1; plus strand). Cytogenetic location: 5q14.3.
Variant type: single nucleotide variant.
Coding change: c.4283T>C on transcript NM_032119.4 (MANE Select); coding-DNA position 4283, T replaced by C.
Protein change: p.Leu1428Pro; replaces leucine 1428 with proline.
Molecular consequence: missense variant. On other transcripts: non-coding transcript variant (1).
Genome position (GRCh38, 1-based): chr5:90,653,857, T>C. VCF-style: chr5-90653857-T-C. GRCh37 (hg19) VCF-style: chr5-89949674-T-C.
Other names: short protein forms L1428P.
Identifiers: ClinVar variation 1347466 (VCV001347466.6), dbSNP rs2149468589, ClinGen allele CA360402176.

ClinVar aggregate classification (germline): Uncertain significance. Review status: criteria provided, single submitter (1 of 4 stars). 2 submissions from 2 submitters: Uncertain significance (1). 1 of the submissions does not count toward it. Last evaluated 2021-09-26.

Conditions:
Retinal dystrophy. Also called: Inherited retinal dystrophy. Identifiers: Orphanet 71862, MedGen C0854723, MeSH D058499, MONDO:0019118, HP:0000556.

Submissions (2):

Labcorp Genetics (formerly Invitae), Labcorp
Classification: Uncertain significance. Last evaluated: 2021-09-26. Review status: criteria provided, single submitter. Criteria: Invitae Variant Classification Sherloc (09022015). Collection method: clinical testing. Allele origin: germline.
Comment: This sequence change replaces leucine with proline at codon 1428 of the ADGRV1 protein (p.Leu1428Pro). The leucine residue is moderately conserved and there is a moderate physicochemical difference between leucine and proline. This variant is not present in population databases (ExAC no frequency). This variant has not been reported in the literature in individuals affected with ADGRV1-related conditions. Algorithms developed to predict the effect of missense changes on protein structure and function (SIFT, PolyPhen-2, Align-GVGD) all suggest that this variant is likely to be disruptive. In summary, the available evidence is currently insufficient to determine the role of this variant in disease. Therefore, it has been classified as a Variant of Uncertain Significance.

Institute of Human Genetics, Univ. Regensburg, Univ. Regensburg
Classification: Likely pathogenic for Retinal dystrophy. Last evaluated: 2021-01-01. Review status: no assertion criteria provided. Criteria: ACMG Guidelines, 2015. Collection method: clinical testing. Allele origin: germline. Affected: yes. Not counted in ClinVar's aggregate classification.